The following is an entry in ClinVar:

NM_018975.4(TERF2IP):c.380C>G (p.Pro127Arg)

Gene: TERF2IP (TERF2 interacting protein; plus strand). Cytogenetic location: 16q23.1.
Variant type: single nucleotide variant.
Coding change: c.380C>G on transcript NM_018975.4 (MANE Select); coding-DNA position 380, C replaced by G.
Protein change: p.Pro127Arg; replaces proline 127 with arginine.
Molecular consequence: missense variant. On other transcripts: non-coding transcript variant (1).
Genome position (GRCh38, 1-based): chr16:75,648,262, C>G. VCF-style: chr16-75648262-C-G. GRCh37 (hg19) VCF-style: chr16-75682160-C-G.
Other names: short protein forms P127R.
Identifiers: ClinVar variation 1735129 (VCV001735129.2), dbSNP rs2507073933, ClinGen allele CA396817783.
Genomic context (GRCh38, chr16:75,648,262, plus strand): 5'-CGGACACCGGCTCGGAAGCAAAGCCCGGGGCCCTGGCCGAGGGCGCCGCGGAGCCGGAGC[C>G]GCAGCGGCACGCCGGGCGGATCGCCTTCACGGATGCGGACGACGTAGCCATCCTTACCTA-3'
Protein context (NP_061848.2, residues 117-137): ALAEGAAEPE[Pro127Arg]QRHAGRIAFT

ClinVar aggregate classification (germline): Uncertain significance (1 of 4 stars; one submission).

gnomAD v4.1: 1 of 1,548,224 alleles (0.000065%); highest among the groups gnomAD compares: Non-Finnish European, 0.000087%; no homozygotes.

Submission:

Ambry Genetics
Classification: Uncertain significance. Last evaluated: 2021-12-20. Review status: criteria provided, single submitter. Criteria: Ambry Variant Classification Scheme 2023. Collection method: clinical testing. Allele origin: germline.
Comment: The p.P127R variant (also known as c.380C>G), located in coding exon 1 of the TERF2IP gene, results from a C to G substitution at nucleotide position 380. The proline at codon 127 is replaced by arginine, an amino acid with dissimilar properties. This amino acid position is conserved. In addition, this alteration is predicted to be tolerated by in silico analysis. Since supporting evidence is limited at this time, the clinical significance of this alteration remains unclear.